The following is an entry in ClinVar:

ClinVar aggregate classification (germline): Uncertain significance (1 of 4 stars; one submission).

Conditions:
Rubinstein-Taybi syndrome (RSTS). Identifiers: Orphanet 783, MedGen C0035934, MONDO:0019188.

Submission:

Labcorp Genetics (formerly Invitae), Labcorp
Classification: Uncertain significance for Rubinstein-Taybi syndrome. Last evaluated: 2023-07-26. Review status: criteria provided, single submitter. Criteria: Invitae Variant Classification Sherloc (09022015). Collection method: clinical testing. Allele origin: germline.
Comment: This sequence change replaces leucine, which is neutral and non-polar, with proline, which is neutral and non-polar, at codon 843 of the CREBBP protein (p.Leu843Pro). This variant is not present in population databases (gnomAD no frequency). This variant has not been reported in the literature in individuals affected with CREBBP-related conditions. Advanced modeling of protein sequence and biophysical properties (such as structural, functional, and spatial information, amino acid conservation, physicochemical variation, residue mobility, and thermodynamic stability) performed at Invitae indicates that this missense variant is not expected to disrupt CREBBP protein function. In summary, the available evidence is currently insufficient to determine the role of this variant in disease. Therefore, it has been classified as a Variant of Uncertain Significance.

NM_004380.3(CREBBP):c.2528T>C (p.Leu843Pro)

Gene: CREBBP (CREB binding lysine acetyltransferase; minus strand). Cytogenetic location: 16p13.3.
Variant type: single nucleotide variant.
Coding change: c.2528T>C on transcript NM_004380.3 (MANE Select); coding-DNA position 2528, T replaced by C.
Protein change: p.Leu843Pro; replaces leucine 843 with proline.
Molecular consequence: missense variant.
Genome position (GRCh38, 1-based): chr16:3,770,922, A>G on the plus strand (T>C on the coding strand, the complement: CREBBP is on the minus strand). VCF-style: chr16-3770922-A-G. GRCh37 (hg19) VCF-style: chr16-3820923-A-G.
Other names: c.2414T>C, p.Leu805Pro (NM_001079846.1); short protein forms L805P, L843P.
Identifiers: ClinVar variation 2841175 (VCV002841175.3), dbSNP rs2548416349, ClinGen allele CA394551789.